The following is an entry in ClinVar:

ClinVar aggregate classification (germline): Uncertain significance. Review status: criteria provided, multiple submitters, no conflicts (2 of 4 stars). 2 submissions from 2 submitters: Uncertain significance (2). Last evaluated 2025-07-02.

Conditions:
Inborn genetic diseases. Identifiers: MedGen C0950123, MeSH D030342.

gnomAD v4.1: 6 of 1,614,156 alleles (0.00037%); highest among the groups gnomAD compares: Non-Finnish European, 0.00051%; no homozygotes.

Submissions (2):

Women's Health and Genetics/Laboratory Corporation of America, LabCorp
Classification: Uncertain significance. Last evaluated: 2025-07-02. Review status: criteria provided, single submitter. Criteria: LabCorp Variant Classification Summary - May 2015. Collection method: clinical testing. Allele origin: germline.
Comment: Variant summary: COL4A3 c.1294C>T (p.Pro432Ser) results in a non-conservative amino acid change located in the Collagen triple helix repeat (20 copies) domain (IPR008160) of the encoded protein sequence. Algorithms developed to predict the effect of missense changes on protein structure and function all suggest that this variant is likely to be disruptive. The variant was absent in 249486 control chromosomes. The available data on variant occurrences in the general population are insufficient to allow any conclusion about variant significance. To our knowledge, no occurrence of c.1294C>T in individuals affected with COL4A3-related disorders and no experimental evidence demonstrating its impact on protein function have been reported. No submitters have cited clinical-significance assessments for this variant to ClinVar. Based on the evidence outlined above, the variant was classified as uncertain significance.

Ambry Genetics
Classification: Uncertain significance for Inborn genetic diseases. Last evaluated: 2025-04-13. Review status: criteria provided, single submitter. Criteria: Ambry Variant Classification Scheme 2023. Collection method: clinical testing. Allele origin: germline.

NM_000091.5(COL4A3):c.1294C>T (p.Pro432Ser)

Genes: COL4A3 (collagen type IV alpha 3 chain; plus strand), MFF-DT (MFF divergent transcript; minus strand). Cytogenetic location: 2q36.3.
Variant type: single nucleotide variant.
Coding change: c.1294C>T on transcript NM_000091.5 (MANE Select); coding-DNA position 1294, C replaced by T.
Protein change: p.Pro432Ser; replaces proline 432 with serine.
Molecular consequence: missense variant.
Genome position (GRCh38, 1-based): chr2:227,263,923, C>T. VCF-style: chr2-227263923-C-T. GRCh37 (hg19) VCF-style: chr2-228128639-C-T.
Other names: short protein forms P432S.
Identifiers: ClinVar variation 3911989 (VCV003911989.2).